The following is an entry in ClinVar:

NM_001876.4(CPT1A):c.2198A>G (p.Asn733Ser)

Gene: CPT1A (carnitine palmitoyltransferase 1A; minus strand). Cytogenetic location: 11q13.3.
Variant type: single nucleotide variant.
Coding change: c.2198A>G on transcript NM_001876.4 (MANE Select); coding-DNA position 2198, A replaced by G.
Protein change: p.Asn733Ser; replaces asparagine 733 with serine.
Molecular consequence: missense variant.
Genome position (GRCh38, 1-based): chr11:68,759,606, T>C on the plus strand (A>G on the coding strand, the complement: CPT1A is on the minus strand). VCF-style: chr11-68759606-T-C. GRCh37 (hg19) VCF-style: chr11-68527074-T-C.
Other names: c.2198A>G, p.Asn733Ser (NM_001031847.3); short protein forms N733S.
Identifiers: ClinVar variation 194835 (VCV000194835.54), dbSNP rs151271754, ClinGen allele CA241021.
Genomic context (GRCh38, chr11:68,759,606, plus strand): 5'-AAGGAACTTCTTTTCATACATACCGTCTCAGGGCAAGAGAACTTGGAAGAAATGTGGAAA[T>C]TGATGAGGTTCTCTCCCACAAGGATGTACGACACACCATAGCCGTCATCAGCAACCTGGA-3'
Protein context (NP_001867.2, residues 723-743): SYILVGENLI[Asn733Ser]FHISSKFSCP

ClinVar aggregate classification (germline): Conflicting classifications of pathogenicity. Review status: criteria provided, conflicting classifications (1 of 4 stars). 7 submissions from 7 submitters: Uncertain significance (1); Likely benign (4). 2 of the submissions do not count toward it. Last evaluated 2026-02-01.

Conditions:
CPT1A-related disorder. Also called: CPT1A-related condition.
Carnitine palmitoyl transferase 1A deficiency. Also called: Carnitine palmitoyltransferase 1A deficiency; Carnitine palmitoyltransferase type I deficiency; CPT deficiency, hepatic, type IA; CPT I DEFICIENCY; CPT DEFICIENCY, HEPATIC, TYPE I. Identifiers: Orphanet 156, MedGen C1829703, MONDO:0009705, OMIM 255120.

Allele frequency attached by ClinVar (database versions not stated): 1000 Genomes Project 0.00080; 1000 Genomes Project 30x 0.00094; gnomAD 0.00205 and 0.00198; ESP Exome Variant Server 0.00208; TOPMed 0.00217; gnomAD exomes 0.00278 and 0.00187; ExAC 0.00180.
gnomAD v4.1: 4,314 of 1,613,760 alleles (0.27%); highest among the groups gnomAD compares: Non-Finnish European, 0.34%; 8 homozygotes.

Submissions (7):

Labcorp Genetics (formerly Invitae), Labcorp
Classification: Likely benign for Carnitine palmitoyl transferase 1A deficiency. Last evaluated: 2026-02-01. Review status: criteria provided, single submitter. Criteria: Invitae Variant Classification Sherloc (09022015). Collection method: clinical testing. Allele origin: germline.

Blueprint Genetics
Classification: Likely benign. Last evaluated: 2024-11-25. Review status: criteria provided, single submitter. Criteria: ACMG Guidelines, 2015. Collection method: clinical testing. Allele origin: germline.

ARUP Laboratories, Molecular Genetics and Genomics, ARUP Laboratories
Classification: Likely benign for Carnitine palmitoyl transferase 1A deficiency. Last evaluated: 2023-10-26. Review status: criteria provided, single submitter. Criteria: ARUP Molecular Germline Variant Investigation Process 2024. Collection method: clinical testing. Allele origin: germline.

CeGaT Center for Human Genetics Tuebingen
Classification: Likely benign. Last evaluated: 2021-07-01. Review status: criteria provided, single submitter. Criteria: CeGaT Center For Human Genetics Tuebingen Variant Classification Criteria Version 2. Collection method: clinical testing. Allele origin: germline. Affected: yes. Observed: 1 variant allele.

Eurofins Ntd Llc (ga)
Classification: Uncertain significance. Last evaluated: 2014-11-26. Review status: criteria provided, single submitter. Criteria: EGL Classification Definitions 2015. Collection method: clinical testing. Allele origin: germline. Observed: 1 variant allele, 1 heterozygote.

PreventionGenetics, part of Exact Sciences
Classification: Likely benign for CPT1A-related condition. Last evaluated: 2020-07-29. Review status: no assertion criteria provided. Collection method: clinical testing. Allele origin: germline. Not counted in ClinVar's aggregate classification.
Comment: This variant is classified as likely benign based on ACMG/AMP sequence variant interpretation guidelines (Richards et al. 2015 PMID: 25741868, with internal and published modifications).

Natera, Inc.
Classification: Uncertain significance for Carnitine palmitoyltransferase type I deficiency. Last evaluated: 2020-04-16. Review status: no assertion criteria provided. Collection method: clinical testing. Allele origin: germline. Not counted in ClinVar's aggregate classification.